The following is an entry in ClinVar:

NM_052859.4(RFT1):c.1071C>G (p.Ile357Met)

Gene: RFT1 (RFT1 glycolipid translocator homolog; minus strand). Cytogenetic location: 3p21.1.
Variant type: single nucleotide variant.
Coding change: c.1071C>G on transcript NM_052859.4 (MANE Select); coding-DNA position 1071, C replaced by G.
Protein change: p.Ile357Met; replaces isoleucine 357 with methionine.
Molecular consequence: missense variant.
Genome position (GRCh38, 1-based): chr3:53,103,984, G>C on the plus strand (C>G on the coding strand, the complement: RFT1 is on the minus strand). VCF-style: chr3-53103984-G-C. GRCh37 (hg19) VCF-style: chr3-53138000-G-C.
Other names: short protein forms I357M.
Identifiers: ClinVar variation 2074439 (VCV002074439.4), dbSNP rs367909153, ClinGen allele CA353228834.

ClinVar aggregate classification (germline): Uncertain significance (1 of 4 stars; one submission).

Conditions:
RFT1-congenital disorder of glycosylation (CDG1N). Also called: CDG In; Congenital disorder of glycosylation type In; RFT1-CDG. Identifiers: Orphanet 244310, MedGen C2677590, MONDO:0012783, OMIM 612015.

Submission:

Labcorp Genetics (formerly Invitae), Labcorp
Classification: Uncertain significance for RFT1-congenital disorder of glycosylation. Last evaluated: 2022-01-04. Review status: criteria provided, single submitter. Criteria: Invitae Variant Classification Sherloc (09022015). Collection method: clinical testing. Allele origin: germline.
Comment: This sequence change replaces isoleucine, which is neutral and non-polar, with methionine, which is neutral and non-polar, at codon 357 of the RFT1 protein (p.Ile357Met). This variant is not present in population databases (gnomAD no frequency). This variant has not been reported in the literature in individuals affected with RFT1-related conditions. Algorithms developed to predict the effect of missense changes on protein structure and function (SIFT, PolyPhen-2, Align-GVGD) all suggest that this variant is likely to be tolerated. Algorithms developed to predict the effect of sequence changes on RNA splicing suggest that this variant may create or strengthen a splice site. In summary, the available evidence is currently insufficient to determine the role of this variant in disease. Therefore, it has been classified as a Variant of Uncertain Significance.